The following is an entry in ClinVar:

NM_000188.3(HK1):c.2294G>C (p.Gly765Ala)

Gene: HK1 (hexokinase 1; plus strand). Cytogenetic location: 10q22.1.
Variant type: single nucleotide variant.
Coding change: c.2294G>C on transcript NM_000188.3 (MANE Select); coding-DNA position 2294, G replaced by C.
Protein change: p.Gly765Ala; replaces glycine 765 with alanine.
Molecular consequence: missense variant. On other transcripts: non-coding transcript variant (2), intron variant (1).
Genome position (GRCh38, 1-based): chr10:69,395,024, G>C. VCF-style: chr10-69395024-G-C. GRCh37 (hg19) VCF-style: chr10-71154780-G-C.
Other names: c.2306G>C, p.Gly769Ala (NM_001322364.2, NM_001358263.1, NM_033497.3 and 1 more transcripts); c.2399G>C, p.Gly800Ala (NM_001322365.2); c.2210G>C, p.Gly737Ala (NM_001322366.1, NM_001441143.1); c.2198G>C, p.Gly733Ala (NM_001322367.1); c.2291G>C, p.Gly764Ala (NM_001441139.1, NM_033496.3); c.2285G>C, p.Gly762Ala (NM_001441140.1); c.2294G>C, p.Gly765Ala (NM_001441141.1, NM_001441148.1); c.2252G>C, p.Gly751Ala (NM_001441142.1); and 9 more; short protein forms G429A, G527A, G552A, G635A, G643A, G691A, G725A, G733A.
Identifiers: ClinVar variation 5019694 (VCV005019694.2).

ClinVar aggregate classification (germline): Uncertain significance (1 of 4 stars; one submission).

Conditions:
Retinitis pigmentosa 79 (RP79). Identifiers: MedGen C4479526, MONDO:0044320, OMIM 617460.
Neurodevelopmental disorder with visual defects and brain anomalies. Identifiers: MedGen C5231404, MONDO:0032807, OMIM 618547.
Charcot-Marie-Tooth disease type 4G. Also called: Neuropathy, hereditary motor and sensory, Russe type; CHARCOT-MARIE-TOOTH NEUROPATHY, TYPE 4G; CHARCOT-MARIE-TOOTH DISEASE, DEMYELINATING, TYPE 4G. Identifiers: Orphanet 99953, MedGen C1854449, MONDO:0011534, OMIM 605285.
Hemolytic anemia due to hexokinase deficiency (CNSHA5). Also called: Non-spherocytic hemolytic anemia due to hexokinase deficiency; HEMOLYTIC ANEMIA, NONSPHEROCYTIC, DUE TO HEXOKINASE DEFICIENCY; ANEMIA, CONGENITAL, NONSPHEROCYTIC HEMOLYTIC, 5; Hexokinase deficiency hemolytic anemia. Identifiers: Orphanet 90031, MedGen C3150343, MONDO:0009340, OMIM 235700.

Submission:

Juno Genomics, Hangzhou Juno Genomics, Inc
Classification: Uncertain significance for Hemolytic anemia due to hexokinase deficiency; Neurodevelopmental disorder with visual defects and brain anomalies; Charcot-Marie-Tooth disease type 4G; Retinitis pigmentosa 79. Review status: criteria provided, single submitter. Criteria: ACMG Guidelines, 2015. Collection method: clinical testing. Allele origin: germline.
Comment: Absent from controls (or at extremely low frequency if recessive) in Genome Aggregation Database.;Multiple lines of computational evidence support a deleterious effect on the gene or gene product.;Missense variant in a gene that has a low rate of benign missense variation.